The following is an entry in ClinVar:

ClinVar aggregate classification (germline): Uncertain significance (1 of 4 stars; one submission).

Allele frequency attached by ClinVar (database versions not stated): gnomAD exomes below 0.00001.
gnomAD v4.1: 1 of 1,608,804 alleles (0.000062%); highest among the groups gnomAD compares: Admixed American, 0.0017%; no homozygotes.

Submission:

Labcorp Genetics (formerly Invitae), Labcorp
Classification: Uncertain significance. Last evaluated: 2022-09-01. Review status: criteria provided, single submitter. Criteria: Invitae Variant Classification Sherloc (09022015). Collection method: clinical testing. Allele origin: germline.
Comment: This sequence change replaces proline, which is neutral and non-polar, with leucine, which is neutral and non-polar, at codon 813 of the PACS2 protein (p.Pro813Leu). This variant is not present in population databases (gnomAD no frequency). This variant has not been reported in the literature in individuals affected with PACS2-related conditions. Algorithms developed to predict the effect of missense changes on protein structure and function are either unavailable or do not agree on the potential impact of this missense change (SIFT: "Tolerated"; PolyPhen-2: "Possibly Damaging"; Align-GVGD: "Class C0"). In summary, the available evidence is currently insufficient to determine the role of this variant in disease. Therefore, it has been classified as a Variant of Uncertain Significance.

NM_001100913.3(PACS2):c.2438C>T (p.Pro813Leu)

Gene: PACS2 (phosphofurin acidic cluster sorting protein 2; plus strand). Cytogenetic location: 14q32.33.
Variant type: single nucleotide variant.
Coding change: c.2438C>T on transcript NM_001100913.3 (MANE Select); coding-DNA position 2438, C replaced by T.
Protein change: p.Pro813Leu; replaces proline 813 with leucine.
Molecular consequence: missense variant.
Genome position (GRCh38, 1-based): chr14:105,392,801, C>T. VCF-style: chr14-105392801-C-T. GRCh37 (hg19) VCF-style: chr14-105859138-C-T.
Other names: c.2168C>T, p.Pro723Leu (NM_001243127.3); c.2393C>T, p.Pro798Leu (NM_015197.4); short protein forms P798L, P723L, P813L.
Identifiers: ClinVar variation 2087429 (VCV002087429.4), dbSNP rs2544900266, ClinGen allele CA391188702.
Genomic context (GRCh38, chr14:105,392,801, plus strand): 5'-GCACTTTCCGGTCCCTCCAGGTCAGCAGGCTGCCCAGCAGCGGCGAGGCTGCAGCCACGC[C>T]CACCATGTCCATGACCGTGGTCACCAAGGAGAAGAACAAGAAGGGTGAGGTGGGGCAGGC-3'
Protein context (NP_001094383.2, residues 803-823): LPSSGEAAAT[Pro813Leu]TMSMTVVTKE